The following is an entry in ClinVar:

NM_001128840.3(CACNA1D):c.3676-3_3682del

Gene: CACNA1D (calcium voltage-gated channel subunit alpha1 D; plus strand). Cytogenetic location: 3p21.1.
Variant type: Deletion.
Coding change: c.3676-3_3682del on transcript NM_001128840.3 (MANE Select); 3 bases into the intron before coding-DNA position 3676 through coding-DNA position 3682, 10 bases deleted (TAGCACTACG; older notation c.3676-3_3682delTAGCACTACG).
Molecular consequence: splice acceptor variant.
Genome position (GRCh38, 1-based): chr3:53,753,569-53,753,578, TAGCACTACG deleted. VCF-style (leftmost placement, unchanged base first): chr3-53753568-ATAGCACTACG-A. GRCh37 (hg19) VCF-style: chr3-53787595-ATAGCACTACG-A.
Other names: c.3676-3_3682del (NM_001128839.3); c.3736-3_3742del (NM_000720.4).
Identifiers: ClinVar variation 3573814 (VCV003573814.1).

ClinVar aggregate classification (germline): Uncertain significance (1 of 4 stars; one submission).

Submission:

GeneDx
Classification: Uncertain significance. Last evaluated: 2024-07-19. Review status: criteria provided, single submitter. Criteria: GeneDx Variant Classification Process June 2021. Collection method: clinical testing. Allele origin: germline. Affected: yes.
Comment: Not observed at significant frequency in large population cohorts (gnomAD); Has not been previously published as pathogenic or benign to our knowledge; Canonical splice site variant in a gene for which loss-of-function is not an established mechanism of disease